The following is an entry in ClinVar:

ClinVar aggregate classification (germline): Uncertain significance (1 of 4 stars; one submission).

Conditions:
RASopathy. Also called: rasopathies; Noonan spectrum disorder. Identifiers: Orphanet 536391, MedGen C5555857, MONDO:0021060.

Submission:

Labcorp Genetics (formerly Invitae), Labcorp
Classification: Uncertain significance for RASopathy. Last evaluated: 2023-12-04. Review status: criteria provided, single submitter. Criteria: Invitae Variant Classification Sherloc (09022015). Collection method: clinical testing. Allele origin: germline.
Comment: This sequence change falls in intron 2 of the SOS1 gene. It does not directly change the encoded amino acid sequence of the SOS1 protein. Information on the frequency of this variant in the gnomAD database is not available, as this variant may be reported differently in the database. This variant has not been reported in the literature in individuals affected with SOS1-related conditions. Experimental studies and prediction algorithms are not available or were not evaluated, and the effect of this variant on mRNA splicing is currently unknown. In summary, the available evidence is currently insufficient to determine the role of this variant in disease. Therefore, it has been classified as a Variant of Uncertain Significance.

NM_005633.4(SOS1):c.213+11_213+12delinsAT

Gene: SOS1 (SOS Ras/Rac guanine nucleotide exchange factor 1; minus strand). Cytogenetic location: 2p22.1.
Variant type: Indel.
Coding change: c.213+11_213+12delinsAT on transcript NM_005633.4 (MANE Select); bases 11 to 12 of the intron after coding-DNA position 213, TG replaced by AT.
Molecular consequence: intron variant.
Genome position (GRCh38, 1-based): chr2:39,067,616-39,067,617, CA replaced by AT on the plus strand (TG replaced by AT on the coding strand, the reverse complement: SOS1 is on the minus strand). VCF-style: chr2-39067616-CA-AT. GRCh37 (hg19) VCF-style: chr2-39294757-CA-AT.
Other names: c.192+11_192+12delinsAT (NM_001382394.1); c.213+11_213+12delinsAT (NM_001382395.1).
Identifiers: ClinVar variation 2977564 (VCV002977564.3), dbSNP rs2465394997, ClinGen allele CA2740092829.